The following is an entry in ClinVar:

NM_001084.5(PLOD3):c.2137G>A (p.Gly713Ser)

Gene: PLOD3 (procollagen-lysine,2-oxoglutarate 5-dioxygenase 3; minus strand). Cytogenetic location: 7q22.1.
Variant type: single nucleotide variant.
Coding change: c.2137G>A on transcript NM_001084.5 (MANE Select); coding-DNA position 2137, G replaced by A.
Protein change: p.Gly713Ser; replaces glycine 713 with serine.
Molecular consequence: missense variant.
Genome position (GRCh38, 1-based): chr7:101,206,361, C>T on the plus strand (G>A on the coding strand, the complement: PLOD3 is on the minus strand). VCF-style: chr7-101206361-C-T. GRCh37 (hg19) VCF-style: chr7-100849642-C-T.
Other names: c.2137G>A (NM_001084.4); short protein forms G713S.
Identifiers: ClinVar variation 547021 (VCV000547021.47), dbSNP rs376339415, ClinGen allele CA4407368.
Genomic context (GRCh38, chr7:101,206,361, plus strand): 5'-CCATGATGTAGCGTGTGCCCCAGGTCGTTGGCAGCCCCTCGTGGTAGTGGGTGAGGCGGC[C>T]GGGGTGCAGGAGTGCCCAGCCCTTCCTCGGGGAGGAGATCACACAGTCGTAGCGCAGGAA-3'
Protein context (NP_001075.1, residues 703-723): PRKGWALLHP[Gly713Ser]RLTHYHEGLP

ClinVar aggregate classification (germline): Uncertain significance. Review status: criteria provided, multiple submitters, no conflicts (2 of 4 stars). 3 submissions from 3 submitters: Uncertain significance (3). Last evaluated 2026-01-05.

Conditions:
Inborn genetic diseases. Identifiers: MedGen C0950123, MeSH D030342.

Allele frequency attached by ClinVar (database versions not stated): gnomAD 0.00001; ExAC 0.00002; TOPMed 0.00002; gnomAD exomes 0.00003; ESP Exome Variant Server 0.00015.

Submissions (3):

Labcorp Genetics (formerly Invitae), Labcorp
Classification: Uncertain significance. Last evaluated: 2026-01-05. Review status: criteria provided, single submitter. Criteria: Invitae Variant Classification Sherloc (09022015). Collection method: clinical testing. Allele origin: germline.
Comment: This sequence change replaces glycine, which is neutral and non-polar, with serine, which is neutral and polar, at codon 713 of the PLOD3 protein (p.Gly713Ser). This variant is present in population databases (rs376339415, gnomAD 0.005%). This variant has not been reported in the literature in individuals affected with PLOD3-related conditions. ClinVar contains an entry for this variant (Variation ID: 547021). Invitae Evidence Modeling of protein sequence and biophysical properties (such as structural, functional, and spatial information, amino acid conservation, physicochemical variation, residue mobility, and thermodynamic stability) indicates that this missense variant is expected to disrupt PLOD3 protein function with a positive predictive value of 80%. In summary, the available evidence is currently insufficient to determine the role of this variant in disease. Therefore, it has been classified as a Variant of Uncertain Significance.

Ambry Genetics
Classification: Uncertain significance for Inborn genetic diseases. Last evaluated: 2025-10-07. Review status: criteria provided, single submitter. Criteria: Ambry Variant Classification Scheme 2023. Collection method: clinical testing. Allele origin: germline.

CeGaT Center for Human Genetics Tuebingen
Classification: Uncertain significance. Last evaluated: 2018-04-01. Review status: criteria provided, single submitter. Criteria: CeGaT Center For Human Genetics Tuebingen Variant Classification Criteria Version 2. Collection method: clinical testing. Allele origin: germline. Affected: yes. Observed: 1 variant allele.